The following is an entry in ClinVar:

NM_020706.2(SCAF4):c.2165C>T (p.Pro722Leu)

Gene: SCAF4 (SR-related CTD associated factor 4; minus strand). Cytogenetic location: 21q22.11.
Variant type: single nucleotide variant.
Coding change: c.2165C>T on transcript NM_020706.2 (MANE Select); coding-DNA position 2165, C replaced by T.
Protein change: p.Pro722Leu; replaces proline 722 with leucine.
Molecular consequence: missense variant.
Genome position (GRCh38, 1-based): chr21:31,685,612, G>A on the plus strand (C>T on the coding strand, the complement: SCAF4 is on the minus strand). VCF-style: chr21-31685612-G-A. GRCh37 (hg19) VCF-style: chr21-33057925-G-A.
Other names: c.2120C>T, p.Pro707Leu (NM_001145444.1); c.2165C>T, p.Pro722Leu (NM_001145445.1); short protein forms P707L, P722L.
Identifiers: ClinVar variation 3573643 (VCV003573643.1).
Genomic context (GRCh38, chr21:31,685,612, plus strand): 5'-AGACAATTTAGTGTACCTGGTGGTAAATGCATTGGGTTGAATCCTGGGCGCAAAAATGGT[G>A]GAGGAGGAGGGGGAGGAGGAACACCAGGACCAAAGCCTGGAGGCGGTATTCCCAGAGGAG-3'
Protein context (NP_065757.1, residues 712-732): GPGVPPPPPP[Pro722Leu]PFLRPGFNPM

ClinVar aggregate classification (germline): Uncertain significance (1 of 4 stars; one submission).

Submission:

GeneDx
Classification: Uncertain significance. Last evaluated: 2024-07-11. Review status: criteria provided, single submitter. Criteria: GeneDx Variant Classification Process June 2021. Collection method: clinical testing. Allele origin: germline. Affected: yes.
Comment: Not observed at significant frequency in large population cohorts (gnomAD); In silico analysis supports that this missense variant has a deleterious effect on protein structure/function; Has not been previously published as pathogenic or benign to our knowledge